The following is an entry in ClinVar:

NM_002968.3(SALL1):c.2454T>G (p.Phe818Leu)

Gene: SALL1 (spalt like transcription factor 1; minus strand). Cytogenetic location: 16q12.1.
Variant type: single nucleotide variant.
Coding change: c.2454T>G on transcript NM_002968.3 (MANE Select); coding-DNA position 2454, T replaced by G.
Protein change: p.Phe818Leu; replaces phenylalanine 818 with leucine.
Molecular consequence: missense variant.
Genome position (GRCh38, 1-based): chr16:51,139,768, A>C on the plus strand (T>G on the coding strand, the complement: SALL1 is on the minus strand). VCF-style: chr16-51139768-A-C. GRCh37 (hg19) VCF-style: chr16-51173679-A-C.
Other names: c.2163T>G, p.Phe721Leu (NM_001127892.2); short protein forms F721L, F818L.
Identifiers: ClinVar variation 4680959 (VCV004680959.1).

ClinVar aggregate classification (germline): Uncertain significance (1 of 4 stars; one submission).

gnomAD v4.1: 4 of 1,614,082 alleles (0.00025%); highest among the groups gnomAD compares: Admixed American, 0.005%; no homozygotes.

Submission:

GeneDx
Classification: Uncertain significance. Last evaluated: 2025-06-30. Review status: criteria provided, single submitter. Criteria: GeneDx Variant Classification Process June 2021. Collection method: clinical testing. Allele origin: germline. Affected: yes.
Comment: In silico analysis suggests that this missense variant does not alter protein structure/function; Has not been previously published as pathogenic or benign to our knowledge